The following is an entry in ClinVar:

NM_000368.5(TSC1):c.364-16A>G

Gene: TSC1 (TSC complex subunit 1; minus strand). Cytogenetic location: 9q34.13.
Variant type: single nucleotide variant.
Coding change: c.364-16A>G on transcript NM_000368.5 (MANE Select); 16 bases into the intron before coding-DNA position 364, A replaced by G.
Molecular consequence: intron variant.
Genome position (GRCh38, 1-based): chr9:132,923,508, T>C on the plus strand (A>G on the coding strand, the complement: TSC1 is on the minus strand). VCF-style: chr9-132923508-T-C. GRCh37 (hg19) VCF-style: chr9-135798895-T-C.
Other names: c.1-16A>G (NM_001406620.1, NM_001406618.1, NM_001406625.1 and 10 more transcripts); c.211-16A>G (NM_001406613.1, NM_001406612.1, NM_001406610.1 and 2 more transcripts); c.-514-16A>G (NM_001406627.1, NM_001406628.1, NM_001406626.1); c.-656-16A>G (NM_001406629.1); c.364-16A>G (NM_001406603.1, NM_001406609.1, NM_001406597.1 and 16 more transcripts); c.-730-16A>G (NM_001406630.1).
Identifiers: ClinVar variation 2987782 (VCV002987782.4), dbSNP rs1846686112, ClinGen allele CA1882422660.
Genomic context (GRCh38, chr9:132,923,508, plus strand): 5'-CAACACCAAGACGCCTGTTGTGAGGACAACGACGTCAGTGTCCATCTGCAGGAGAAAAGG[T>C]CAAACAGGAAACGTCTGTCAGGCACTGGCACCAGGATCGGCATTGTACAGTACATGAAGA-3'

ClinVar aggregate classification (germline): Likely benign. Review status: criteria provided, multiple submitters, no conflicts (2 of 4 stars). 2 submissions from 2 submitters: Likely benign (2). Last evaluated 2025-04-08.

Conditions:
Tuberous sclerosis 1 (TSC1). Identifiers: Orphanet 805, MedGen C1854465, MONDO:0008612, OMIM 191100.

Submissions (2):

Myriad Genetics, Inc.
Classification: Likely benign for Tuberous sclerosis 1. Last evaluated: 2025-04-08. Review status: criteria provided, single submitter. Criteria: Myriad Autosomal Dominant, Autosomal Recessive and X-Linked Classification Criteria (2023). Collection method: clinical testing. Allele origin: unknown.
Comment: This variant is considered likely benign. This variant is intronic and is not expected to impact mRNA splicing.

Labcorp Genetics (formerly Invitae), Labcorp
Classification: Likely benign for Tuberous sclerosis 1. Last evaluated: 2023-10-18. Review status: criteria provided, single submitter. Criteria: Invitae Variant Classification Sherloc (09022015). Collection method: clinical testing. Allele origin: germline.